The following is an entry in ClinVar:

ClinVar aggregate classification (germline): Uncertain significance. Review status: criteria provided, multiple submitters, no conflicts (2 of 4 stars). 2 submissions from 2 submitters: Uncertain significance (2). Last evaluated 2025-06-23.

Conditions:
Cardiomyopathy (CMYO). Also called: Cardiomyopathies. Identifiers: Orphanet 167848, MedGen C0878544, MONDO:0004994, HP:0001638. Inheritance: Various modes of inheritance.
Dilated cardiomyopathy 1S (CMD1S). Identifiers: Orphanet 154, Orphanet 54260, MedGen C1834481, MONDO:0013262, OMIM 613426.

Submissions (2):

Color Diagnostics, LLC DBA Color Health
Classification: Uncertain significance for Cardiomyopathy. Last evaluated: 2025-06-23. Review status: criteria provided, single submitter. Criteria: ACMG Guidelines, 2015. Collection method: clinical testing. Allele origin: germline.
Comment: This missense variant replaces aspartic acid with glutamic acid at codon 1230 of the MYH7 protein. Computational prediction is inconclusive regarding the impact of this variant on protein structure and function. To our knowledge, functional studies have not been reported for this variant. This variant has not been reported in individuals affected with MYH7-related disorders in the literature. This variant has not been identified in the general population by the Genome Aggregation Database (gnomAD). The available evidence is insufficient to determine the role of this variant in disease conclusively. Therefore, this variant is classified as a Variant of Uncertain Significance.

MGZ Medical Genetics Center
Classification: Uncertain significance for Dilated cardiomyopathy 1S. Last evaluated: 2022-01-13. Review status: criteria provided, single submitter. Criteria: ACMG Guidelines, 2015. Collection method: clinical testing. Allele origin: germline. Affected: yes. Observed: 1 variant allele.
Comment: ACMG criteria applied: PM1, PM2_SUP, PP2, PP3

NM_000257.4(MYH7):c.3690C>G (p.Asp1230Glu)

Gene: MYH7 (myosin heavy chain 7; minus strand). Cytogenetic location: 14q11.2.
Variant type: single nucleotide variant.
Coding change: c.3690C>G on transcript NM_000257.4 (MANE Select); coding-DNA position 3690, C replaced by G.
Protein change: p.Asp1230Glu; replaces aspartic acid 1230 with glutamic acid.
Molecular consequence: missense variant.
Genome position (GRCh38, 1-based): chr14:23,419,881, G>C on the plus strand (C>G on the coding strand, the complement: MYH7 is on the minus strand). VCF-style: chr14-23419881-G-C. GRCh37 (hg19) VCF-style: chr14-23889090-G-C.
Other names: c.3690C>G, p.Asp1230Glu (NM_001407004.1); short protein forms D1230E.
Identifiers: ClinVar variation 1709964 (VCV001709964.3), dbSNP rs370750044, ClinGen allele CA389043021.